The following is an entry in ClinVar:

ClinVar aggregate classification (germline): not provided (0 of 4 stars; one submission).

Allele frequency attached by ClinVar (database versions not stated): TOPMed 0.00002.
gnomAD v4.1: 4 of 582,820 alleles (0.00069%); highest among the groups gnomAD compares: Non-Finnish European, 0.0012%; no homozygotes.

Submission:

Human Evolutionary Genetics, Institut Pasteur
No classification provided. Review status: no classification provided. Collection method: not provided. Allele origin: germline.
ClinVar note: Converted during submission from untested to not provided.

NM_001370466.1(NOD2):c.*214T>C

Genes: CYLD-AS1 (CYLD antisense RNA 1; minus strand), NOD2 (nucleotide binding oligomerization domain containing 2; plus strand). Cytogenetic location: 16q12.1.
Variant type: single nucleotide variant.
Coding change: c.*214T>C on transcript NM_001370466.1 (MANE Select); 214 bases downstream of the stop codon, T replaced by C.
Molecular consequence: 3 prime UTR variant. On other transcripts: non-coding transcript variant (1).
Genome position (GRCh38, 1-based): chr16:50,732,033, T>C. VCF-style: chr16-50732033-T-C. GRCh37 (hg19) VCF-style: chr16-50765944-T-C.
Other names: c.*214T>C (LRG_177t1, NM_001293557.2, NM_022162.3).
Identifiers: ClinVar variation 103112 (VCV000103112.2), dbSNP rs199475926, ClinGen allele CA230133.